The following is an entry in ClinVar:

ClinVar aggregate classification (germline): Uncertain significance (1 of 4 stars; one submission).

Conditions:
Charcot-Marie-Tooth disease type 2. Also called: Charcot-Marie-Tooth type 2. Identifiers: Orphanet 64746, MedGen C0270914, MONDO:0018993.

Submission:

Labcorp Genetics (formerly Invitae), Labcorp
Classification: Uncertain significance for Charcot-Marie-Tooth disease type 2. Last evaluated: 2017-11-30. Review status: criteria provided, single submitter. Criteria: Invitae Variant Classification Sherloc (09022015). Collection method: clinical testing. Allele origin: germline.
Comment: In summary, the available evidence is currently insufficient to determine the role of this variant in disease. Therefore, it has been classified as a Variant of Uncertain Significance. The current clinical and genetic evidence is not sufficient to establish whether loss-of-function variants in MED25 cause disease. Experimental studies and prediction algorithms are not available for this variant, and the functional significance of the deleted amino acids is currently unknown. This variant has not been reported in the literature in individuals with MED25-related disease. This variant is an out-of-frame deletion of the genomic region encompassing exons 4-5 of the MED25 gene. This is expected to create a premature translational stop signal and result in an absent or disrupted protein product.

NC_000019.10:g.(?_49828429)_(49829110_?)del

Gene: MED25 (mediator complex subunit 25; plus strand). Cytogenetic location: 19q13.33.
Variant type: Deletion.
Identifiers: ClinVar variation 543295 (VCV000543295.7).